The following is an entry in ClinVar:

NM_007194.4(CHEK2):c.707del (p.Leu236fs)

Gene: CHEK2 (checkpoint kinase 2; minus strand). Cytogenetic location: 22q12.1.
Variant type: Deletion.
Coding change: c.707del on transcript NM_007194.4 (MANE Select); coding-DNA position 707, one base deleted (T; older notation c.707delT).
Protein change: p.Leu236fs; shifts the reading frame from leucine 236.
Molecular consequence: frameshift variant.
Genome position (GRCh38, 1-based): chr22:28,711,994, A deleted on the plus strand (T on the coding strand, the reverse complement: CHEK2 is on the minus strand). VCF-style (leftmost placement, unchanged base first): chr22-28711993-CA-C. GRCh37 (hg19) VCF-style: chr22-29107981-CA-C.
Other names: c.836delT, p.Leu279Argfs (NM_001005735.3); c.44delT, p.Leu15Argfs (NM_001257387.3); c.506delT, p.Leu169Argfs (NM_001349956.3); c.707delT, p.Leu236Argfs (NM_145862.3); short protein forms L15fs, L279fs, L169fs, L236fs.
Identifiers: ClinVar variation 3663480 (VCV003663480.2).
Genomic context (GRCh38, chr22:28,711,993, plus strand): 5'-AAACTTCCTTTTGCTGATGATCTTTATGGCTACTTTCTTACATGTTTTCCTCTCGAAAGC[CA>C]GCTTTACCTCTCCACAGGCACCACTAGAGGGAAAAACAAAGATAGTGATTGTCTGAATGT-3'

ClinVar aggregate classification (germline): Pathogenic (1 of 4 stars; one submission).

Conditions:
Familial cancer of breast. Also called: Hereditary breast cancer; hereditary breast carcinoma; BREAST CANCER, FAMILIAL. Identifiers: Orphanet 227535, MedGen C0346153, MONDO:0016419, OMIM 114480. Disease mechanism: loss of function.

Submission:

Labcorp Genetics (formerly Invitae), Labcorp
Classification: Pathogenic for Familial cancer of breast. Last evaluated: 2024-08-27. Review status: criteria provided, single submitter. Criteria: Invitae Variant Classification Sherloc (09022015). Collection method: clinical testing. Allele origin: germline.
Comment: This sequence change creates a premature translational stop signal (p.Leu236Argfs*11) in the CHEK2 gene. It is expected to result in an absent or disrupted protein product. Loss-of-function variants in CHEK2 are known to be pathogenic (PMID: 21876083, 24713400). This variant is not present in population databases (gnomAD no frequency). This variant has not been reported in the literature in individuals affected with CHEK2-related conditions. For these reasons, this variant has been classified as Pathogenic.

Literature cited by the submitters: PubMed 21876083; PubMed 24713400.